The following is an entry in ClinVar:

NM_024496.4(IRF2BPL):c.2248C>T (p.Gln750Ter)

Gene: IRF2BPL (interferon regulatory factor 2 binding protein like; minus strand). Cytogenetic location: 14q24.3.
Variant type: single nucleotide variant.
Coding change: c.2248C>T on transcript NM_024496.4 (MANE Select); coding-DNA position 2248, C replaced by T.
Protein change: p.Gln750Ter; replaces glutamine 750 with a stop codon.
Molecular consequence: nonsense.
Genome position (GRCh38, 1-based): chr14:77,025,545, G>A on the plus strand (C>T on the coding strand, the complement: IRF2BPL is on the minus strand). VCF-style: chr14-77025545-G-A. GRCh37 (hg19) VCF-style: chr14-77491888-G-A.
Other names: short protein forms Q750*.
Identifiers: ClinVar variation 4276718 (VCV004276718.1).

ClinVar aggregate classification (germline): Uncertain significance (1 of 4 stars; one submission).

Conditions:
Inborn genetic diseases. Identifiers: MedGen C0950123, MeSH D030342.

Submission:

Ambry Genetics
Classification: Uncertain significance for Inborn genetic diseases. Last evaluated: 2025-08-26. Review status: criteria provided, single submitter. Criteria: Ambry Variant Classification Scheme 2023. Collection method: clinical testing. Allele origin: germline.
Comment: The c.2248C>T (p.Q750*) alteration, located in exon 1 (coding exon 1) of the IRF2BPL gene, consists of a C to T substitution at nucleotide position 2248. This changes the amino acid from a glutamine (Q) to a stop codon at amino acid position 750. Premature stop codons are typically deleterious in nature; however, because IRF2BPL is a single-exon gene this alteration is not expected to trigger nonsense-mediated mRNA decay and a truncated protein could still be expressed (Maquat, 2004). This alteration removes the last 47 amino acids of the protein and the exact functional impact of these amino acids is unknown at this time. This allele was reported in one heterozygous individual in population-based cohorts in the Genome Aggregation Database (gnomAD). Based on insufficient or conflicting evidence, the clinical significance of this alteration remains unclear.